The following is an entry in ClinVar:

ClinVar aggregate classification (germline): Uncertain significance. Review status: criteria provided, multiple submitters, no conflicts (2 of 4 stars). 5 submissions from 5 submitters: Uncertain significance (5). Last evaluated 2026-03-05.

Conditions:
Hearing loss, autosomal recessive 110. Also called: DEAFNESS, AUTOSOMAL RECESSIVE 110. Identifiers: MedGen C4748162, MONDO:0054860, OMIM 618094.

Allele frequency attached by ClinVar (database versions not stated): TOPMed 0.00005; gnomAD exomes 0.00006 and 0.00008; ExAC 0.00007; gnomAD 0.00007 and 0.00008; ESP Exome Variant Server 0.00008; 1000 Genomes Project 30x 0.00016.
gnomAD v4.1: 95 of 1,614,068 alleles (0.0059%); highest among the groups gnomAD compares: Non-Finnish European, 0.0073%; no homozygotes.

Submissions (5):

Victorian Clinical Genetics Services, Murdoch Childrens Research Institute
Classification: Uncertain significance for Hearing loss, autosomal recessive 110. Last evaluated: 2026-03-05. Review status: criteria provided, single submitter. Criteria: ACMG Guidelines, 2015. Collection method: clinical testing. Allele origin: germline. Affected: yes.
Comment: This variant is classified as VUS-3A. Evidence in support of pathogenic classification: Variant is present in gnomAD <0.01 (v4: 95 heterozygote(s), 0 homozygote(s)). Additional information: Variant is predicted to result in a missense amino acid change from Arg to Gln; This variant is heterozygous; This gene is associated with both recessive and dominant disease (PMID: 25230692, 32562050); Previous evidence of pathogenicity for this variant is inconclusive. This variant has been classified as a VUS by multiple clinical laboratories (ClinVar). It has also been reported in a heterozygous individual with partial deafness (PMID: 35682719); No published evidence of segregation with disease has been identified for this variant; No published functional evidence has been identified for this variant; No comparable missense variants have previous evidence for pathogenicity; Variant is located in the annotated von Willebrand factor type A domain (DECIPHER); Missense variant with inconclusive in silico prediction and/or uninformative conservation; Loss of function is a known mechanism of disease in this gene and is associated with autosomal recessive deafness 110 (MIM#618094; PMID: 32562050). Dominant negative is also a likely mechanism of disease in this gene and is associated with autosomal dominant deafness 9 (MIM#601369; PMID: 25230692); Inheritance information for this variant is not currently available in this individual.

Labcorp Genetics (formerly Invitae), Labcorp
Classification: Uncertain significance. Last evaluated: 2025-09-02. Review status: criteria provided, single submitter. Criteria: Invitae Variant Classification Sherloc (09022015). Collection method: clinical testing. Allele origin: germline.
Comment: This sequence change replaces arginine, which is basic and polar, with glutamine, which is neutral and polar, at codon 180 of the COCH protein (p.Arg180Gln). This variant is present in population databases (rs369882771, gnomAD 0.01%). This variant has not been reported in the literature in individuals affected with COCH-related conditions. ClinVar contains an entry for this variant (Variation ID: 1306525). Invitae Evidence Modeling of protein sequence and biophysical properties (such as structural, functional, and spatial information, amino acid conservation, physicochemical variation, residue mobility, and thermodynamic stability) has been performed for this missense variant. However, the output from this modeling did not meet the statistical confidence thresholds required to predict the impact of this variant on COCH protein function. In summary, the available evidence is currently insufficient to determine the role of this variant in disease. Therefore, it has been classified as a Variant of Uncertain Significance.

Blueprint Genetics
Classification: Uncertain significance. Last evaluated: 2024-10-21. Review status: criteria provided, single submitter. Criteria: ACMG Guidelines, 2015. Collection method: clinical testing. Allele origin: germline.

CeGaT Center for Human Genetics Tuebingen
Classification: Uncertain significance. Last evaluated: 2022-08-01. Review status: criteria provided, single submitter. Criteria: CeGaT Center For Human Genetics Tuebingen Variant Classification Criteria Version 2. Collection method: clinical testing. Allele origin: germline. Affected: yes. Observed: 1 variant allele.
Comment: COCH: PP3

GeneDx
Classification: Uncertain significance. Last evaluated: 2022-07-19. Review status: criteria provided, single submitter. Criteria: GeneDx Variant Classification Process June 2021. Collection method: clinical testing. Allele origin: germline. Affected: yes.
Comment: In silico analysis supports that this missense variant has a deleterious effect on protein structure/function; Has not been previously published as pathogenic or benign to our knowledge

Literature cited by the submitters: PubMed 25230692 (cited by Victorian Clinical Genetics Services, Murdoch Childrens Research Institute); PubMed 32562050 (cited by Victorian Clinical Genetics Services, Murdoch Childrens Research Institute).

NM_004086.3(COCH):c.539G>A (p.Arg180Gln)

Genes: COCH (cochlin; plus strand), COCH-AS1 (COCH antisense RNA 1; minus strand). Cytogenetic location: 14q12.
Variant type: single nucleotide variant.
Coding change: c.539G>A on transcript NM_004086.3 (MANE Select); coding-DNA position 539, G replaced by A.
Protein change: p.Arg180Gln; replaces arginine 180 with glutamine.
Molecular consequence: missense variant.
Genome position (GRCh38, 1-based): chr14:30,880,644, G>A. VCF-style: chr14-30880644-G-A. GRCh37 (hg19) VCF-style: chr14-31349850-G-A.
Other names: c.539G>A, p.Arg180Gln (NM_001135058.2); c.734G>A, p.Arg245Gln (NM_001347720.2); short protein forms R180Q, R245Q.
Identifiers: ClinVar variation 1306525 (VCV001306525.35), dbSNP rs369882771, ClinGen allele CA7143084.
Genomic context (GRCh38, chr14:30,880,644, plus strand): 5'-CAGATTGTAAAGCAGACATTGCATTTCTGATTGATGGAAGCTTTAATATTGGGCAGCGCC[G>A]ATTTAATTTACAGAAGAATTTTGTTGGAAAAGTGGCTCTAATGTTGGGAATTGGAACAGA-3'
Protein context (NP_004077.1, residues 170-190): IDGSFNIGQR[Arg180Gln]FNLQKNFVGK